The following is an entry in ClinVar:

ClinVar aggregate classification (germline): Uncertain significance (1 of 4 stars; one submission).

Submission:

Dasa
Classification: Uncertain significance. Last evaluated: 2024-12-06. Review status: criteria provided, single submitter. Criteria: DASA Assertion Criteria. Collection method: clinical testing. Allele origin: germline.
Comment: NM_001348323.3(TRIP12):c.5315T>G (p.Phe1772Cys) is a missense variant that results in the substitution of phenylalanine with cysteine. This variant is absent from population databases. Computational prediction algorithms are consistent with a deleterious effect. The currently available literature and clinical evidence are not sufficient to establish a definitive association between this variant and the reported condition. Therefore, this variant is classified as a variant of uncertain significance.

NM_001348323.3(TRIP12):c.5315T>G (p.Phe1772Cys)

Gene: TRIP12 (thyroid hormone receptor interactor 12; minus strand). Cytogenetic location: 2q36.3.
Variant type: single nucleotide variant.
Coding change: c.5315T>G on transcript NM_001348323.3 (MANE Select); coding-DNA position 5315, T replaced by G.
Protein change: p.Phe1772Cys; replaces phenylalanine 1772 with cysteine.
Molecular consequence: missense variant.
Genome position (GRCh38, 1-based): chr2:229,778,482, A>C on the plus strand (T>G on the coding strand, the complement: TRIP12 is on the minus strand). VCF-style: chr2-229778482-A-C. GRCh37 (hg19) VCF-style: chr2-230643198-A-C.
Other names: c.5234T>G, p.Phe1745Cys (NM_001284214.2, NM_001348315.2); c.5189T>G, p.Phe1730Cys (NM_001284215.2, NM_001348316.2); c.4280T>G, p.Phe1427Cys (NM_001284216.2); c.5174T>G, p.Phe1725Cys (NM_001348317.1, NM_001348318.2); c.5300T>G, p.Phe1767Cys (NM_001348319.1, NM_001348320.2); c.5303T>G, p.Phe1768Cys (NM_001348321.1); c.5315T>G, p.Phe1772Cys (NM_001348322.1, NM_001348324.2, NM_001348325.2 and 2 more transcripts); c.5318T>G, p.Phe1773Cys (NM_001348328.1, NM_001348329.2, NM_001348330.2); and 4 more; short protein forms F1427C, F1697C, F1698C, F1725C, F1730C, F1738C, F1745C, F1746C.
Identifiers: ClinVar variation 4881923 (VCV004881923.2).